The following is an entry in ClinVar:

ClinVar aggregate classification (germline): Likely pathogenic. Review status: criteria provided, single submitter (1 of 4 stars). 2 submissions from 1 submitter: Likely pathogenic (1). 1 of the submissions does not count toward it. Last evaluated 2024-03-26.

Conditions:
5-Oxoprolinase deficiency (OPLAHD). Also called: 5-OXOPROLINURIA DUE TO 5-OXOPROLINASE DEFICIENCY. Identifiers: Orphanet 33572, MedGen C0268525, MONDO:0009825, OMIM 260005, HP:0040142.

Allele frequency attached by ClinVar (database versions not stated): gnomAD 0.00004 and 0.00005; ExAC 0.00001; gnomAD exomes 0.00002; TOPMed 0.00005.
gnomAD v4.1: 40 of 1,584,982 alleles (0.0025%); highest among the groups gnomAD compares: South Asian, 0.0081%; no homozygotes.

Submissions (2):

Genomic Medicine Center of Excellence, King Faisal Specialist Hospital and Research Centre
Classification: Likely pathogenic for 5-Oxoprolinase deficiency. Last evaluated: 2024-03-26. Review status: criteria provided, single submitter. Criteria: ACMG Guidelines, 2015. Collection method: clinical testing. Allele origin: germline.

Genomic Medicine Center of Excellence, King Faisal Specialist Hospital and Research Centre
Classification: Likely pathogenic. Review status: flagged submission. Criteria: ACMG Guidelines, 2015. Collection method: research. Allele origin: germline. Affected: yes. Not counted in ClinVar's aggregate classification.
ClinVar note: Reason: This record appears to be redundant with a more recent record from the same submitter.
ClinVar note: Notes: SCV000221736 appears to be redundant with SCV004807400.

NM_017570.5(OPLAH):c.2303G>A (p.Arg768His)

Gene: OPLAH (5-oxoprolinase, ATP-hydrolysing; minus strand). Cytogenetic location: 8q24.3.
Variant type: single nucleotide variant.
Coding change: c.2303G>A on transcript NM_017570.5 (MANE Select); coding-DNA position 2303, G replaced by A.
Protein change: p.Arg768His; replaces arginine 768 with histidine.
Molecular consequence: missense variant.
Genome position (GRCh38, 1-based): chr8:144,055,135, C>T on the plus strand (G>A on the coding strand, the complement: OPLAH is on the minus strand). VCF-style: chr8-144055135-C-T. GRCh37 (hg19) VCF-style: chr8-145110038-C-T.
Other names: short protein forms R768H.
Identifiers: ClinVar variation 191344 (VCV000191344.2), dbSNP rs539275646, ClinGen allele CA236464.